The following is an entry in ClinVar:

ClinVar aggregate classification (germline): Benign (1 of 4 stars; one submission).

Conditions:
Charcot-Marie-Tooth disease type 1C. Also called: CHARCOT-MARIE-TOOTH DISEASE, DEMYELINATING, TYPE 1C; CMT, SLOW NERVE CONDUCTION TYPE C; HMSN IC; Charcot-Marie-Tooth disease, type IC; CHARCOT-MARIE-TOOTH NEUROPATHY, TYPE 1C; NEUROPATHY, HEREDITARY MOTOR AND SENSORY, TYPE IC. Identifiers: Orphanet 101083, MedGen C0270913, MONDO:0010995, OMIM 601098.

Allele frequency attached by ClinVar (database versions not stated): ExAC 0.00065; gnomAD 0.01268 and 0.01353; gnomAD exomes 0.00247 and 0.00146; TOPMed 0.01424; 1000 Genomes Project 0.01438; 1000 Genomes Project 30x 0.01562.
gnomAD v4.1: 2,356 of 453,492 alleles (0.52%); highest among the groups gnomAD compares: African/African-American, 4.4%; 55 homozygotes.

Submission:

Illumina Laboratory Services, Illumina
Classification: Benign for Charcot-Marie-Tooth disease type 1C. Last evaluated: 2018-01-13. Review status: criteria provided, single submitter. Criteria: ICSL Variant Classification Criteria 13 December 2019. Collection method: clinical testing. Allele origin: germline.
Comment: This variant was observed in the ICSL laboratory as part of a predisposition screen in an ostensibly healthy population. It had not been previously curated by ICSL or reported in the Human Gene Mutation Database (HGMD: prior to June 1st, 2018), and was therefore a candidate for classification through an automated scoring system. Utilizing variant allele frequency, disease prevalence and penetrance estimates, and inheritance mode, an automated score was calculated to assess if this variant is too frequent to cause the disease. Based on the score and internal cut-off values, a variant classified as benign is not then subjected to further curation. The score for this variant resulted in a classification of benign for this disease.

NM_001136472.2(LITAF):c.*933C>T

Gene: LITAF (lipopolysaccharide induced TNF factor; minus strand). Cytogenetic location: 16p13.13.
Variant type: single nucleotide variant.
Coding change: c.*933C>T on transcript NM_001136472.2 (MANE Select); 933 bases downstream of the stop codon, C replaced by T.
Molecular consequence: 3 prime UTR variant. On other transcripts: non-coding transcript variant (1).
Genome position (GRCh38, 1-based): chr16:11,548,704, G>A on the plus strand (C>T on the coding strand, the complement: LITAF is on the minus strand). VCF-style: chr16-11548704-G-A. GRCh37 (hg19) VCF-style: chr16-11642560-G-A.
Other names: c.*1058C>T (NM_001136473.1); c.*933C>T (NM_004862.4).
Identifiers: ClinVar variation 317760 (VCV000317760.5), dbSNP rs75472256, ClinGen allele CA7903922.